The following is an entry in ClinVar:

ClinVar aggregate classification (germline): Likely pathogenic. Review status: criteria provided, multiple submitters, no conflicts (2 of 4 stars). 3 submissions from 3 submitters: Likely pathogenic (3). Last evaluated 2024-04-24.

Conditions:
BBS2-related disorder. Also called: BBS2-related disorders; BBS2-related condition. Identifiers: MedGen CN239228.
Bardet-Biedl syndrome (BBS). Identifiers: Orphanet 110, MedGen C0752166, MONDO:0015229.

Submissions (3):

Labcorp Genetics (formerly Invitae), Labcorp
Classification: Likely pathogenic for Bardet-Biedl syndrome. Last evaluated: 2024-04-24. Review status: criteria provided, single submitter. Criteria: Invitae Variant Classification Sherloc (09022015). Collection method: clinical testing. Allele origin: germline.
Comment: This sequence change affects a splice site in intron 7 of the BBS2 gene. It is expected to disrupt RNA splicing. Variants that disrupt the donor or acceptor splice site typically lead to a loss of protein function (PMID: 16199547), and loss-of-function variants in BBS2 are known to be pathogenic (PMID: 11285252, 20177705, 24608809, 26518167). This variant is present in population databases (no rsID available, gnomAD 0.0009%). This variant has not been reported in the literature in individuals affected with BBS2-related conditions. ClinVar contains an entry for this variant (Variation ID: 944852). In summary, the currently available evidence indicates that the variant is pathogenic, but additional data are needed to prove that conclusively. Therefore, this variant has been classified as Likely Pathogenic.

GeneDx
Classification: Likely pathogenic. Last evaluated: 2023-05-10. Review status: criteria provided, single submitter. Criteria: GeneDx Variant Classification Process June 2021. Collection method: clinical testing. Allele origin: germline. Affected: yes.
Comment: Canonical splice site variant predicted to result in an in-frame loss of the adjacent exon in a gene for which loss of function is a known mechanism of disease; Not observed at a significant frequency in large population cohorts (gnomAD); Has not been previously published as pathogenic or benign in association with BBS2-related ciliopathy to our knowledge; This variant is associated with the following publications: (PMID: 31964843)

Blueprint Genetics
Classification: Likely pathogenic for BBS2-related disorders. Last evaluated: 2022-06-29. Review status: criteria provided, single submitter. Criteria: ACMG Guidelines, 2015. Collection method: clinical testing. Allele origin: germline. Affected: yes. Observed: 1 variant allele.

Literature cited by the submitters: PubMed 16199547 (cited by Labcorp Genetics (formerly Invitae), Labcorp); PubMed 11285252 (cited by Labcorp Genetics (formerly Invitae), Labcorp); PubMed 20177705 (cited by Labcorp Genetics (formerly Invitae), Labcorp); PubMed 24608809 (cited by Labcorp Genetics (formerly Invitae), Labcorp); PubMed 26518167 (cited by Labcorp Genetics (formerly Invitae), Labcorp).

NM_031885.5(BBS2):c.804+1_804+14del

Gene: BBS2 (Bardet-Biedl syndrome 2; minus strand). Cytogenetic location: 16q13.
Variant type: Deletion.
Coding change: c.804+1_804+14del on transcript NM_031885.5 (MANE Select); the canonical splice donor site of the intron after coding-DNA position 804 through 14 bases into the intron after coding-DNA position 804, 14 bases deleted (GTAAGTTTGAATAG).
Molecular consequence: splice donor variant.
Genome position (GRCh38, 1-based): chr16:56,505,936-56,505,949, CTATTCAAACTTAC deleted on the plus strand (GTAAGTTTGAATAG on the coding strand, the reverse complement: BBS2 is on the minus strand); deleting any 14 consecutive bases within chr16:56,505,936-56,505,951 gives the same sequence; the c. name uses the placement nearest the transcript's 3' end. VCF-style (leftmost placement, unchanged base first): chr16-56505935-GCTATTCAAACTTAC-G. GRCh37 (hg19) VCF-style: chr16-56539847-GCTATTCAAACTTAC-G.
Other names: c.804+1_804+14del (NM_001377456.1).
Identifiers: ClinVar variation 944852 (VCV000944852.9), dbSNP rs1202682571, ClinGen allele CA622310872.
Genomic context (GRCh38, chr16:56,505,935, plus strand): 5'-TCTAAGTCCTACAGCCAATACACCTTGGACAATTACTACTCTGAATTATACCTGAACTTT[GCTATTCAAACTTAC>G]CTTCCCATTGGACCAACCAGTTATCAGTTCATTCACTCCATCAGAATTAAGGTCAAAAGC-3'